The following is an entry in ClinVar:

NM_001046.3(SLC12A2):c.2584G>T (p.Asp862Tyr)

Gene: SLC12A2 (solute carrier family 12 member 2; plus strand). Cytogenetic location: 5q23.3.
Variant type: single nucleotide variant.
Coding change: c.2584G>T on transcript NM_001046.3 (MANE Select); coding-DNA position 2584, G replaced by T.
Protein change: p.Asp862Tyr; replaces aspartic acid 862 with tyrosine.
Molecular consequence: missense variant. On other transcripts: non-coding transcript variant (1).
Genome position (GRCh38, 1-based): chr5:128,161,768, G>T. VCF-style: chr5-128161768-G-T. GRCh37 (hg19) VCF-style: chr5-127497460-G-T.
Other names: c.2584G>T, p.Asp862Tyr (NM_001256461.2); short protein forms D862Y.
Identifiers: ClinVar variation 4881106 (VCV004881106.2).

ClinVar aggregate classification (germline): Uncertain significance (1 of 4 stars; one submission).

Submission:

Dasa
Classification: Uncertain significance. Last evaluated: 2026-03-27. Review status: criteria provided, single submitter. Criteria: DASA Assertion Criteria. Collection method: clinical testing. Allele origin: germline.
Comment: NM_001046.3(SLC12A2):c.2584G>T (p.Asp862Tyr) is a missense variant that results in the substitution of aspartic acid with tyrosine. This variant is rare in population databases. Computational prediction algorithms are consistent with a deleterious effect. The currently available literature and clinical evidence are not sufficient to establish a definitive association between this variant and the reported condition. Therefore, this variant is classified as a variant of uncertain significance.